The following is an entry in ClinVar:

ClinVar aggregate classification (germline): Pathogenic/Likely pathogenic. Review status: criteria provided, multiple submitters, no conflicts (2 of 4 stars). 6 submissions from 6 submitters: Pathogenic (3); Likely pathogenic (2). 1 of the submissions does not count toward it. Last evaluated 2026-07-09.

Conditions:
Deficiency of mevalonate kinase. Also called: Mevalonate kinase deficiency. Identifiers: Orphanet 309025, MedGen C0342731, MONDO:0017708.
MVK-related disorder. Also called: MVK-related condition; MVK-related disorders. Identifiers: MedGen CN239294.
Porokeratosis 3, disseminated superficial actinic type (POROK3). Also called: POROKERATOSIS, DISSEMINATED SUPERFICIAL ACTINIC, 1; POROKERATOSIS 3, MULTIPLE TYPES; POROKERATOSIS 3, MIBELLI TYPE. Identifiers: MedGen C1867981, MONDO:0008293, OMIM 175900.
Mevalonic aciduria (MEVA). Identifiers: Orphanet 29, MedGen C1959626, MONDO:0012481, OMIM 610377.
Hyperimmunoglobulin D with periodic fever (HIDS). Also called: Hyperimmunoglobulinemia D with periodic fever; HYPERIMMUNOGLOBULINEMIA D AND PERIODIC FEVER SYNDROME; Hyperimmunoglobulinemia D. Identifiers: Orphanet 343, MedGen C0398691, MONDO:0009849, OMIM 260920.

Submissions (6):

Myriad Genetics, Inc.
Classification: Pathogenic for Deficiency of mevalonate kinase. Last evaluated: 2026-07-09. Review status: criteria provided, single submitter. Criteria: Myriad Autosomal Dominant, Autosomal Recessive and X-Linked Classification Criteria (2023). Collection method: clinical testing. Allele origin: unknown.
Comment: NM_000431.2(MVK):c.421delG(A141Rfs*18) is expected to be pathogenic in the context of mevalonate kinase deficiency. This variant is predicted to lead to an abnormal or absent protein product due to the creation of a premature termination codon in MVK, a gene where loss-of-function variants are known to be pathogenic. Please note: this variant was assessed in the context of healthy population screening.

Labcorp Genetics (formerly Invitae), Labcorp
Classification: Pathogenic for Mevalonic aciduria; Hyperimmunoglobulin D with periodic fever; Porokeratosis 3, disseminated superficial actinic type. Last evaluated: 2026-01-22. Review status: criteria provided, single submitter. Criteria: Invitae Variant Classification Sherloc (09022015). Collection method: clinical testing. Allele origin: germline.
Comment: This sequence change creates a premature translational stop signal (p.Ala141Argfs*18) in the MVK gene. It is expected to result in an absent or disrupted protein product. Loss-of-function variants in MVK are known to be pathogenic (PMID: 16835861, 17105862, 23834120). This variant is not present in population databases (gnomAD no frequency). This variant has not been reported in the literature in individuals affected with MVK-related conditions. ClinVar contains an entry for this variant (Variation ID: 97589). For these reasons, this variant has been classified as Pathogenic.

GeneDx
Classification: Likely pathogenic. Last evaluated: 2024-08-27. Review status: criteria provided, single submitter. Criteria: GeneDx Variant Classification Process June 2021. Collection method: clinical testing. Allele origin: germline. Affected: yes.
Comment: Frameshift variant predicted to result in protein truncation or nonsense mediated decay in a gene for which loss of function is a known mechanism of disease; Not observed at significant frequency in large population cohorts (gnomAD); Has not been previously published as pathogenic or benign to our knowledge; This variant is associated with the following publications: (PMID: Kastner2006[CaseReport])

Women's Health and Genetics/Laboratory Corporation of America, LabCorp
Classification: Pathogenic for Mevalonic aciduria. Last evaluated: 2024-08-09. Review status: criteria provided, single submitter. Criteria: LabCorp Variant Classification Summary - May 2015. Collection method: clinical testing. Allele origin: germline.
Comment: Variant summary: MVK c.421delG (p.Ala141ArgfsX18) results in a premature termination codon, predicted to cause a truncation of the encoded protein or absence of the protein due to nonsense mediated decay, which are commonly known mechanisms for disease. The variant was absent in 251088 control chromosomes. c.421delG has been reported in the literature in at-least one individual affected with Mevalonic aciduria (example: VanGorpH_2020). The following publication has been ascertained in the context of this evaluation (PMID: 32312770). ClinVar contains an entry for this variant (Variation ID: 97589). Based on the evidence outlined above, the variant was classified as pathogenic.

Blueprint Genetics
Classification: Likely pathogenic for MVK-related disorders. Last evaluated: 2022-01-27. Review status: criteria provided, single submitter. Criteria: ACMG Guidelines, 2015. Collection method: clinical testing. Allele origin: germline. Affected: yes. Observed: 1 variant allele.

Unité médicale des maladies autoinflammatoires, CHRU Montpellier
No classification provided. Condition: Hyperimmunoglobulin D with periodic fever. Review status: no classification provided. Collection method: not provided. Allele origin: unknown. Not counted in ClinVar's aggregate classification.
Comment: also involved in OMIM 25117

Literature cited by the submitters: PubMed 16835861 (cited by Labcorp Genetics (formerly Invitae), Labcorp); PubMed 17105862 (cited by Labcorp Genetics (formerly Invitae), Labcorp); PubMed 23834120 (cited by Labcorp Genetics (formerly Invitae), Labcorp); PubMed 32312770 (cited by Women's Health and Genetics/Laboratory Corporation of America, LabCorp).

NM_000431.4(MVK):c.421del (p.Ala141fs)

Gene: MVK (mevalonate kinase; plus strand). Cytogenetic location: 12q24.11.
Variant type: Deletion.
Coding change: c.421del on transcript NM_000431.4 (MANE Select); coding-DNA position 421, one base deleted (G; older notation c.421delG).
Protein change: p.Ala141fs; shifts the reading frame from alanine 141.
Molecular consequence: frameshift variant. On other transcripts: intron variant (1).
Genome position (GRCh38, 1-based): chr12:109,581,444, G deleted; the last of 4 consecutive G bases (chr12:109,581,441-109,581,444); deleting any one gives the same sequence. VCF-style (leftmost placement, unchanged base first): chr12-109581440-CG-C. GRCh37 (hg19) VCF-style: chr12-110019245-CG-C.
Other names: c.421del (NM_000431.2); c.421delG (NM_000431.4); c.421del, p.Ala141fs (NM_001114185.3); c.371+1498del (NM_001301182.2); short protein forms A141fs.
Identifiers: ClinVar variation 97589 (VCV000097589.6), dbSNP rs104895323, ClinGen allele CA149829.